The following is an entry in ClinVar:

NM_130837.3(OPA1):c.557-1G>C

Gene: OPA1 (OPA1 mitochondrial dynamin like GTPase; plus strand). Cytogenetic location: 3q29.
Variant type: single nucleotide variant.
Coding change: c.557-1G>C on transcript NM_130837.3 (MANE Select); the canonical splice acceptor site of the intron before coding-DNA position 557, G replaced by C.
Molecular consequence: splice acceptor variant. On other transcripts: intron variant (6).
Genome position (GRCh38, 1-based): chr3:193,617,783, G>C. VCF-style: chr3-193617783-G-C. GRCh37 (hg19) VCF-style: chr3-193335572-G-C.
Other names: c.184+498G>C (NM_001354664.2); c.77-1086G>C (NM_001354663.2); c.557-1G>C (NM_130834.3); c.556+498G>C (NM_130836.3, NM_015560.3); c.449-1G>C (NM_130835.3, NM_130832.3); c.449-1086G>C (NM_130833.3, NM_130831.3).
Identifiers: ClinVar variation 2105486 (VCV002105486.4), dbSNP rs2474607168, ClinGen allele CA355787786.

ClinVar aggregate classification (germline): Uncertain significance (1 of 4 stars; one submission).

gnomAD v4.1: 1 of 1,609,152 alleles (0.000062%); highest among the groups gnomAD compares: African/African-American, 0.0013%; no homozygotes.

Submission:

Labcorp Genetics (formerly Invitae), Labcorp
Classification: Uncertain significance. Last evaluated: 2022-11-01. Review status: criteria provided, single submitter. Criteria: Invitae Variant Classification Sherloc (09022015). Collection method: clinical testing. Allele origin: germline.
Comment: The OPA1 gene has multiple clinically relevant transcripts. This variant occurs in alternate transcript NM_130837.2, and corresponds to NM_015560.2:c.556+498G>C in the primary transcript. This sequence change affects an acceptor splice site in intron 4 of the OPA1 gene. It is expected to disrupt RNA splicing. Variants that disrupt the donor or acceptor splice site typically lead to a loss of protein function (PMID: 16199547); however, it is currently unclear if variants that occur in this region of the gene cause disease. This variant is not present in population databases (gnomAD no frequency). This variant has not been reported in the literature in individuals affected with OPA1-related conditions. Algorithms developed to predict the effect of sequence changes on RNA splicing suggest that this variant may disrupt the consensus splice site. In summary, the available evidence is currently insufficient to determine the role of this variant in disease. Therefore, it has been classified as a Variant of Uncertain Significance.

Literature cited by the submitters: PubMed 16199547.